The following is an entry in ClinVar:

NM_001365276.2(TNXB):c.6303A>G (p.Leu2101=)

Gene: TNXB (tenascin XB; minus strand). Cytogenetic location: 6p21.33.
Variant type: single nucleotide variant.
Coding change: c.6303A>G on transcript NM_001365276.2 (MANE Select); coding-DNA position 6303, A replaced by G.
Protein change: p.Leu2101=; no amino-acid change (leucine 2101 retained).
Molecular consequence: synonymous variant.
Genome position (GRCh38, 1-based): chr6:32,067,902, T>C on the plus strand (A>G on the coding strand, the complement: TNXB is on the minus strand). VCF-style: chr6-32067902-T-C. GRCh37 (hg19) VCF-style: chr6-32035679-T-C.
Other names: p.Leu2101=; c.6303A>G, p.Leu2101= (NM_019105.8).
Identifiers: ClinVar variation 1220472 (VCV001220472.26), dbSNP rs761030884, ClinGen allele CA3734468.
Genomic context (GRCh38, chr6:32,067,902, plus strand): 5'-GCGGCCCTGGGGGACGGTCCAGGAGAGGCTCAGCGAGTCAGGGGAGGATCCTGTCACTGT[T>C]AGCTCCCCCAGGAGCGGCTCCTCAGCGGGCTCCGGGGCCTCCATGCTGGGTTCTGTGGGG-3'
Protein context (NP_001352205.1, residues 2091-2111): EPAEEPLLGE[Leu2101=]TVTGSSPDSL

ClinVar aggregate classification (germline): Conflicting classifications of pathogenicity. Review status: criteria provided, conflicting classifications (1 of 4 stars). 8 submissions from 8 submitters: Uncertain significance (1); Likely benign (6). 1 of the submissions does not count toward it. Last evaluated 2026-01-25.

Conditions:
TNXB-related disorder. Also called: TNXB-related condition.
Ehlers-Danlos syndrome (EDS). Identifiers: Orphanet 98249, MedGen C0013720, MONDO:0020066.
Cardiovascular phenotype. Identifiers: MedGen CN230736.
Vesicoureteral reflux 8 (VUR8). Identifiers: Orphanet 289365, MedGen C4014831, MONDO:0014422, OMIM 615963.
Ehlers-Danlos syndrome due to tenascin-X deficiency (EDSCLL1). Also called: TNX DEFICIENCY; EHLERS-DANLOS SYNDROME, CLASSIC-LIKE; Ehlers-Danlos syndrome, classic-like, 1; TNXB-Related Classical-Like Ehlers-Danlos Syndrome; EDS DUE TO TNX DEFICIENCY. Identifiers: Orphanet 230839, MedGen C1848029, MONDO:0011670, OMIM 606408.

Allele frequency attached by ClinVar (database versions not stated): gnomAD 0.00012 and 0.00013; ExAC 0.00022; gnomAD exomes 0.00022.
gnomAD v4.1: 204 of 1,612,698 alleles (0.013%); highest among the groups gnomAD compares: Admixed American, 0.057%; no homozygotes.

Submissions (8):

Labcorp Genetics (formerly Invitae), Labcorp
Classification: Likely benign. Last evaluated: 2026-01-25. Review status: criteria provided, single submitter. Criteria: Invitae Variant Classification Sherloc (09022015). Collection method: clinical testing. Allele origin: germline.

Mayo Clinic Laboratories, Mayo Clinic
Classification: Likely benign. Last evaluated: 2025-04-15. Review status: criteria provided, single submitter. Criteria: ACMG Guidelines, 2015. Collection method: clinical testing. Allele origin: germline. Observed: 1 variant allele.
Comment: BP4, BP7

CeGaT Center for Human Genetics Tuebingen
Classification: Likely benign. Last evaluated: 2025-01-01. Review status: criteria provided, single submitter. Criteria: CeGaT Center For Human Genetics Tuebingen Variant Classification Criteria Version 2. Collection method: clinical testing. Allele origin: germline. Affected: yes. Observed: 1 variant allele.
Comment: TNXB: BP4

Fulgent Genetics
Classification: Likely benign for Ehlers-Danlos syndrome due to tenascin-X deficiency; Vesicoureteral reflux 8. Last evaluated: 2022-03-08. Review status: criteria provided, single submitter. Criteria: ACMG Guidelines, 2015. Collection method: clinical testing. Allele origin: unknown.

Genome Diagnostics Laboratory, The Hospital for Sick Children
Classification: Uncertain significance for Ehlers-Danlos syndrome. Last evaluated: 2021-06-14. Review status: criteria provided, single submitter. Criteria: ACMG Guidelines, 2015. Collection method: clinical testing. Allele origin: germline.

Ambry Genetics
Classification: Likely benign for Cardiovascular phenotype. Last evaluated: 2020-07-28. Review status: criteria provided, single submitter. Criteria: Ambry Variant Classification Scheme 2023. Collection method: clinical testing. Allele origin: germline.

GeneDx
Classification: Likely benign. Last evaluated: 2020-06-08. Review status: criteria provided, single submitter. Criteria: GeneDx Variant Classification Process June 2021. Collection method: clinical testing. Allele origin: germline. Affected: yes.

PreventionGenetics, part of Exact Sciences
Classification: Likely benign for TNXB-related condition. Last evaluated: 2019-11-25. Review status: no assertion criteria provided. Collection method: clinical testing. Allele origin: germline. Not counted in ClinVar's aggregate classification.
Comment: This variant is classified as likely benign based on ACMG/AMP sequence variant interpretation guidelines (Richards et al. 2015 PMID: 25741868, with internal and published modifications).